The following is an entry in ClinVar:

NM_002074.5(GNB1):c.85A>G (p.Thr29Ala)

Gene: GNB1 (G protein subunit beta 1; minus strand). Cytogenetic location: 1p36.33.
Variant type: single nucleotide variant.
Coding change: c.85A>G on transcript NM_002074.5 (MANE Select); coding-DNA position 85, A replaced by G.
Protein change: p.Thr29Ala; replaces threonine 29 with alanine.
Molecular consequence: missense variant. On other transcripts: intron variant (1).
Genome position (GRCh38, 1-based): chr1:1,817,848, T>C on the plus strand (A>G on the coding strand, the complement: GNB1 is on the minus strand). VCF-style: chr1-1817848-T-C. GRCh37 (hg19) VCF-style: chr1-1749287-T-C.
Other names: c.85A>G, p.Thr29Ala (NM_001282539.2); c.-98+7549A>G (NM_001282538.2); c.85A>G (NM_002074.3); short protein forms T29A.
Identifiers: ClinVar variation 2347050 (VCV002347050.9), dbSNP rs758197716, ClinGen allele CA532154.
Genomic context (GRCh38, chr1:1,817,848, plus strand): 5'-CTAGCCTCCTCACAGGCAGATGGCTCTGCGTGACTCAGTGGGCTCTTACCTGAGAGAGAG[T>C]TGCATCTGCACATGCTTTCCTGGCGTCCTGGGAAGCAAGGACAGTGAGAAATTAGCAACC-3'
Protein context (NP_002065.1, residues 19-39): RDARKACADA[Thr29Ala]LSQITNNIDP

ClinVar aggregate classification (germline): Benign/Likely benign. Review status: criteria provided, multiple submitters, no conflicts (2 of 4 stars). 3 submissions from 3 submitters: Benign (1); Likely benign (2). Last evaluated 2026-08-01.

Conditions:
Inborn genetic diseases. Identifiers: MedGen C0950123, MeSH D030342.

Allele frequency attached by ClinVar (database versions not stated): gnomAD 0.00001; ExAC 0.00002; TOPMed 0.00002.

Submissions (3):

CeGaT Center for Human Genetics Tuebingen
Classification: Likely benign. Last evaluated: 2026-08-01. Review status: criteria provided, single submitter. Criteria: CeGaT Center For Human Genetics Tuebingen Variant Classification Criteria Version 2. Collection method: clinical testing. Allele origin: germline. Affected: yes. Observed: 1 variant allele.
Comment: GNB1: BS2

Labcorp Genetics (formerly Invitae), Labcorp
Classification: Benign. Last evaluated: 2024-06-12. Review status: criteria provided, single submitter. Criteria: Invitae Variant Classification Sherloc (09022015). Collection method: clinical testing. Allele origin: germline.

Ambry Genetics
Classification: Likely benign for Inborn genetic diseases. Last evaluated: 2022-03-04. Review status: criteria provided, single submitter. Criteria: Ambry Variant Classification Scheme 2023. Collection method: clinical testing. Allele origin: germline.